The following is an entry in ClinVar:

ClinVar aggregate classification (germline): Likely benign. Review status: criteria provided, multiple submitters, no conflicts (2 of 4 stars). 5 submissions from 5 submitters: Likely benign (5). Last evaluated 2026-08-01.

Conditions:
TWNK-related disorder. Also called: TWNK-related condition.

Allele frequency attached by ClinVar (database versions not stated): gnomAD exomes 0.00001; gnomAD 0.00002; ExAC 0.00003; TOPMed 0.00003; 1000 Genomes Project 30x 0.00016; 1000 Genomes Project 0.00020.

Submissions (5):

CeGaT Center for Human Genetics Tuebingen
Classification: Likely benign. Last evaluated: 2026-08-01. Review status: criteria provided, single submitter. Criteria: CeGaT Center For Human Genetics Tuebingen Variant Classification Criteria Version 2. Collection method: clinical testing. Allele origin: germline. Affected: yes. Observed: 1 variant allele.
Comment: TWNK: BP4, BP7

PreventionGenetics, part of Exact Sciences
Classification: Likely benign for TWNK-related condition. Last evaluated: 2026-01-14. Review status: criteria provided, single submitter. Criteria: ACMG Guidelines, 2015. Collection method: clinical testing. Allele origin: germline.
Comment: This variant is classified as likely benign based on ACMG/AMP sequence variant interpretation guidelines (Richards et al. 2015 PMID: 25741868, with internal and published modifications).

Labcorp Genetics (formerly Invitae), Labcorp
Classification: Likely benign. Last evaluated: 2025-12-23. Review status: criteria provided, single submitter. Criteria: Invitae Variant Classification Sherloc (09022015). Collection method: clinical testing. Allele origin: germline.

Women's Health and Genetics/Laboratory Corporation of America, LabCorp
Classification: Likely benign. Last evaluated: 2024-02-19. Review status: criteria provided, single submitter. Criteria: LabCorp Variant Classification Summary - May 2015. Collection method: clinical testing. Allele origin: germline.

Blueprint Genetics
Classification: Likely benign. Last evaluated: 2023-11-21. Review status: criteria provided, single submitter. Criteria: ACMG Guidelines, 2015. Collection method: clinical testing. Allele origin: germline.

NM_021830.5(TWNK):c.453C>T (p.Ser151=)

Gene: TWNK (twinkle mtDNA helicase; plus strand). Cytogenetic location: 10q24.31.
Variant type: single nucleotide variant.
Coding change: c.453C>T on transcript NM_021830.5 (MANE Select); coding-DNA position 453, C replaced by T.
Protein change: p.Ser151=; no amino-acid change (serine 151 retained).
Molecular consequence: synonymous variant. On other transcripts: non-coding transcript variant (4), intron variant (3).
Genome position (GRCh38, 1-based): chr10:100,988,663, C>T. VCF-style: chr10-100988663-C-T. GRCh37 (hg19) VCF-style: chr10-102748420-C-T.
Other names: c.453C>T, p.Ser151= (NM_001163812.2); c.-119-981C>T (NM_001163814.2, NM_001163813.2); c.-57-1043C>T (NM_001368275.1); c.453C>T (NM_021830.4).
Identifiers: ClinVar variation 1982840 (VCV001982840.8), dbSNP rs201767220, ClinGen allele CA5653064.